The following is an entry in ClinVar:

ClinVar aggregate classification (germline): Conflicting classifications of pathogenicity. Review status: criteria provided, conflicting classifications (1 of 4 stars). 2 submissions from 2 submitters: Uncertain significance (1); Likely benign (1). Last evaluated 2025-07-03.

Conditions:
Primary ciliary dyskinesia. Also called: Ciliary dyskinesia. Identifiers: Orphanet 244, MedGen C0008780, MONDO:0016575, HP:0012265.

Allele frequency attached by ClinVar (database versions not stated): ExAC 0.00001; gnomAD 0.00001; TOPMed 0.00001.
gnomAD v4.1: 47 of 1,610,644 alleles (0.0029%); highest among the groups gnomAD compares: Non-Finnish European, 0.0039%; no homozygotes.

Submissions (2):

Labcorp Genetics (formerly Invitae), Labcorp
Classification: Likely benign for Primary ciliary dyskinesia. Last evaluated: 2025-07-03. Review status: criteria provided, single submitter. Criteria: Invitae Variant Classification Sherloc (09022015). Collection method: clinical testing. Allele origin: germline.

GeneDx
Classification: Uncertain significance. Last evaluated: 2023-08-04. Review status: criteria provided, single submitter. Criteria: GeneDx Variant Classification Process June 2021. Collection method: clinical testing. Allele origin: germline. Affected: yes.
Comment: Not observed at significant frequency in large population cohorts (gnomAD); In silico analysis supports that this missense variant has a deleterious effect on protein structure/function; Has not been previously published as pathogenic or benign to our knowledge

NM_001277115.2(DNAH11):c.3587C>T (p.Thr1196Met)

Gene: DNAH11 (dynein axonemal heavy chain 11; plus strand). Cytogenetic location: 7p15.3.
Variant type: single nucleotide variant.
Coding change: c.3587C>T on transcript NM_001277115.2 (MANE Select); coding-DNA position 3587, C replaced by T.
Protein change: p.Thr1196Met; replaces threonine 1196 with methionine.
Molecular consequence: missense variant.
Genome position (GRCh38, 1-based): chr7:21,601,557, C>T. VCF-style: chr7-21601557-C-T. GRCh37 (hg19) VCF-style: chr7-21641175-C-T.
Other names: short protein forms T1196M.
Identifiers: ClinVar variation 1386949 (VCV001386949.11), dbSNP rs779537030, ClinGen allele CA4179675.